The following is an entry in ClinVar:

ClinVar aggregate classification (germline): Pathogenic (1 of 4 stars; one submission).

Conditions:
Hyperammonemia, type III (NAGSD). Also called: Hyperammonemia due to N-acetylglutamate synthase deficiency. Identifiers: Orphanet 927, MedGen C0268543, MONDO:0009377, OMIM 237310.

Submission:

Labcorp Genetics (formerly Invitae), Labcorp
Classification: Pathogenic for Hyperammonemia, type III. Last evaluated: 2023-05-02. Review status: criteria provided, single submitter. Criteria: Invitae Variant Classification Sherloc (09022015). Collection method: clinical testing. Allele origin: germline.
Comment: For these reasons, this variant has been classified as Pathogenic. This variant has not been reported in the literature in individuals affected with NAGS-related conditions. This variant is not present in population databases (gnomAD no frequency). This sequence change creates a premature translational stop signal (p.Leu31Argfs*71) in the NAGS gene. It is expected to result in an absent or disrupted protein product. Loss-of-function variants in NAGS are known to be pathogenic (PMID: 12594532).

Literature cited by the submitters: PubMed 12594532.

NM_153006.3(NAGS):c.92_119del (p.Leu31fs)

Gene: NAGS (N-acetylglutamate synthase; plus strand). Cytogenetic location: 17q21.31.
Variant type: Deletion.
Coding change: c.92_119del on transcript NM_153006.3 (MANE Select); coding-DNA positions 92 to 119, 28 bases deleted (TGAGCTGTGGCGCGCGGCGGCGGGCGGC).
Protein change: p.Leu31fs; shifts the reading frame from leucine 31.
Molecular consequence: frameshift variant.
Genome position (GRCh38, 1-based): chr17:44,004,755-44,004,782, TGAGCTGTGGCGCGCGGCGGCGGGCGGC deleted; deleting any 28 consecutive bases within chr17:44,004,752-44,004,782 gives the same sequence; the c. name uses the placement nearest the transcript's 3' end. VCF-style (leftmost placement, unchanged base first): chr17-44004751-AGGCTGAGCTGTGGCGCGCGGCGGCGGGC-A. GRCh37 (hg19) VCF-style: chr17-42082119-AGGCTGAGCTGTGGCGCGCGGCGGCGGGC-A.
Other names: short protein forms L31fs.
Identifiers: ClinVar variation 2861616 (VCV002861616.3), dbSNP rs2509277154, ClinGen allele CA2739267557.